The following is an entry in ClinVar:

ClinVar aggregate classification (germline): Uncertain significance (1 of 4 stars; one submission).

Conditions:
Von Hippel-Lindau syndrome (VHLS). Also called: Von Hippel-Lindau; von Hippel–Lindau syndrome; VHL syndrome. Identifiers: Orphanet 892, MedGen C0019562, MONDO:0008667, OMIM 193300. Disease mechanism: loss of function.
Chuvash polycythemia. Also called: POLYCYTHEMIA, VHL-DEPENDENT. Identifiers: Orphanet 238557, MedGen C1837915, MONDO:0009892, OMIM 263400.

Submission:

Labcorp Genetics (formerly Invitae), Labcorp
Classification: Uncertain significance for Von Hippel-Lindau syndrome; Chuvash polycythemia. Last evaluated: 2020-10-05. Review status: criteria provided, single submitter. Criteria: Invitae Variant Classification Sherloc (09022015). Collection method: clinical testing. Allele origin: germline.
Comment: In summary, the available evidence is currently insufficient to determine the role of this variant in disease. Therefore, it has been classified as a Variant of Uncertain Significance. Experimental studies and prediction algorithms are not available or were not evaluated, and the functional significance of this variant is currently unknown. This variant has not been reported in the literature in individuals with VHL-related conditions. The frequency data for this variant in the population databases is considered unreliable, as metrics indicate insufficient coverage at this position in the ExAC database. This sequence change falls in intron 1 of the VHL gene. It is not expected to change the encoded amino acid sequence of the VHL protein. However, this sequence change falls within a cryptic exon in the VHL gene, known as exon E1’, which is naturally expressed at low levels in several human tissues (PMID: 29891534).

Literature cited by the submitters: PubMed 29891534.

NM_000551.4(VHL):c.340+779G>C

Genes: VHL (von Hippel-Lindau tumor suppressor; plus strand), LOC107303340 (3p25 von Hippel-Lindau tumor suppressor, E3 ubiquitin protein ligase Alu-mediated recombination region; plus strand). Cytogenetic location: 3p25.3.
Variant type: single nucleotide variant.
Coding change: c.340+779G>C on transcript NM_000551.4 (MANE Select); 779 bases into the intron after coding-DNA position 340, G replaced by C.
Molecular consequence: intron variant. On other transcripts: missense variant (1).
Genome position (GRCh38, 1-based): chr3:10,142,966, G>C. VCF-style: chr3-10142966-G-C. GRCh37 (hg19) VCF-style: chr3-10184650-G-C.
Other names: c.544G>C, p.Glu182Gln (NM_001354723.2); c.340+779G>C (NM_198156.3); short protein forms E182Q.
Identifiers: ClinVar variation 1040011 (VCV001040011.9), dbSNP rs1696163737, ClinGen allele CA1345067524.